The following is an entry in ClinVar:

ClinVar aggregate classification (germline): Benign. Review status: criteria provided, multiple submitters, no conflicts (2 of 4 stars). 16 submissions from 15 submitters: Benign (13). 3 of the submissions do not count toward it. Last evaluated 2026-02-04.

Conditions:
Retinal dystrophy. Also called: Inherited retinal dystrophy. Identifiers: Orphanet 71862, MedGen C0854723, MeSH D058499, MONDO:0019118, HP:0000556.
Retinitis pigmentosa (RP). Identifiers: Orphanet 791, MedGen C0035334, MeSH D012174, MONDO:0019200, OMIM 268000. Inheritance: Autosomal dominant, autosomal recessive and X linked inheritance.
Usher syndrome type 2A. Also called: USHER SYNDROME, TYPE IIA; RETINAL DISEASE IN USHER SYNDROME TYPE IIA, MODIFIER OF. Identifiers: Orphanet 231178, Orphanet 886, MedGen C1848634, MONDO:0010169, OMIM 276901.

Allele frequency attached by ClinVar (database versions not stated): gnomAD 0.61366 and 0.61660; 1000 Genomes Project 30x 0.63195; 1000 Genomes Project 0.63279; ExAC 0.64847; gnomAD exomes 0.65204 and 0.65271; ESP Exome Variant Server 0.59634; TOPMed 0.61047.
gnomAD v4.1: 1,044,992 of 1,612,398 alleles (65%); highest among the groups gnomAD compares: East Asian, 85%; 341,363 homozygotes.

Submissions (16):

Labcorp Genetics (formerly Invitae), Labcorp
Classification: Benign. Last evaluated: 2026-02-04. Review status: criteria provided, single submitter. Criteria: Invitae Variant Classification Sherloc (09022015). Collection method: clinical testing. Allele origin: germline.

Blueprint Genetics
Classification: Benign. Last evaluated: 2024-11-26. Review status: criteria provided, single submitter. Criteria: ACMG Guidelines, 2015. Collection method: clinical testing. Allele origin: germline.

ARUP Laboratories, Molecular Genetics and Genomics, ARUP Laboratories
Classification: Benign. Last evaluated: 2023-11-29. Review status: criteria provided, single submitter. Criteria: ARUP Molecular Germline Variant Investigation Process 2024. Collection method: clinical testing. Allele origin: germline.

Dept Of Ophthalmology, Nagoya University
Classification: Benign for Retinal dystrophy. Last evaluated: 2023-10-01. Review status: criteria provided, single submitter. Criteria: Submitter's publication. Collection method: research. Allele origin: germline. Affected: yes.

Women's Health and Genetics/Laboratory Corporation of America, LabCorp
Classification: Benign. Last evaluated: 2023-04-10. Review status: criteria provided, single submitter. Criteria: LabCorp Variant Classification Summary - May 2015. Collection method: clinical testing. Allele origin: germline.

Genome-Nilou Lab
Classification: Benign for Usher syndrome type 2A. Last evaluated: 2021-07-01. Review status: criteria provided, single submitter. Criteria: ACMG Guidelines, 2015. Collection method: clinical testing. Allele origin: germline. Affected: no.

Mayo Clinic Laboratories, Mayo Clinic
Classification: Benign. Last evaluated: 2019-06-04. Review status: criteria provided, single submitter. Criteria: ACMG Guidelines, 2015. Collection method: clinical testing. Allele origin: germline. Observed: 134 variant alleles.

Illumina Laboratory Services, Illumina
Classification: Benign for Usher syndrome type 2A. Last evaluated: 2018-01-12. Review status: criteria provided, single submitter. Criteria: ICSL Variant Classification Criteria 13 December 2019. Collection method: clinical testing. Allele origin: germline.
Comment: This variant was observed in the ICSL laboratory as part of a predisposition screen in an ostensibly healthy population. It had not been previously curated by ICSL or reported in the Human Gene Mutation Database (HGMD: prior to June 1st, 2018), and was therefore a candidate for classification through an automated scoring system. Utilizing variant allele frequency, disease prevalence and penetrance estimates, and inheritance mode, an automated score was calculated to assess if this variant is too frequent to cause the disease. Based on the score and internal cut-off values, a variant classified as benign is not then subjected to further curation. The score for this variant resulted in a classification of benign for this disease.

Illumina Laboratory Services, Illumina
Classification: Benign for Retinitis pigmentosa. Last evaluated: 2018-01-12. Review status: criteria provided, single submitter. Criteria: ICSL Variant Classification Criteria 13 December 2019. Collection method: clinical testing. Allele origin: germline.
Comment: the same text as in the submission from Illumina Laboratory Services, Illumina above.

GeneDx
Classification: Benign. Last evaluated: 2013-01-08. Review status: criteria provided, single submitter. Criteria: GeneDx Variant Classification (06012015). Collection method: clinical testing. Allele origin: germline. Affected: yes.
Comment: This variant is considered likely benign or benign based on one or more of the following criteria: it is a conservative change, it occurs at a poorly conserved position in the protein, it is predicted to be benign by multiple in silico algorithms, and/or has population frequency not consistent with disease.

Laboratory for Molecular Medicine, Mass General Brigham Personalized Medicine
Classification: Benign. Last evaluated: 2008-02-19. Review status: criteria provided, single submitter. Criteria: LMM Criteria. Collection method: clinical testing. Allele origin: germline. Observed: 1,910 variant alleles.

Breakthrough Genomics
Classification: Benign. Review status: criteria provided, single submitter. Criteria: ACMG Guidelines, 2015. Collection method: not provided. Allele origin: germline. Inheritance: Autosomal recessive inheritance. Affected: yes.

PreventionGenetics, part of Exact Sciences
Classification: Benign. Review status: criteria provided, single submitter. Criteria: ACMG Guidelines, 2015. Collection method: clinical testing. Allele origin: germline.

Natera, Inc.
Classification: Benign for Usher syndrome type 2A. Last evaluated: 2020-09-16. Review status: no assertion criteria provided. Collection method: clinical testing. Allele origin: germline. Not counted in ClinVar's aggregate classification.

Diagnostic Laboratory, Department of Genetics, University Medical Center Groningen
Classification: Benign. Review status: no assertion criteria provided. Collection method: clinical testing. Allele origin: germline. Affected: yes. Study: VKGL Data-share Consensus. Not counted in ClinVar's aggregate classification.

Joint Genome Diagnostic Labs from Nijmegen and Maastricht, Radboudumc and MUMC+
Classification: Benign. Review status: no assertion criteria provided. Collection method: clinical testing. Allele origin: germline. Affected: yes. Study: VKGL Data-share Consensus. Not counted in ClinVar's aggregate classification.

NM_206933.4(USH2A):c.504A>G (p.Thr168=)

Gene: USH2A (usherin; minus strand). Cytogenetic location: 1q41.
Variant type: single nucleotide variant.
Coding change: c.504A>G on transcript NM_206933.4 (MANE Select); coding-DNA position 504, A replaced by G.
Protein change: p.Thr168=; no amino-acid change (threonine 168 retained).
Molecular consequence: synonymous variant.
Genome position (GRCh38, 1-based): chr1:216,418,661, T>C on the plus strand (A>G on the coding strand, the complement: USH2A is on the minus strand). VCF-style: chr1-216418661-T-C. GRCh37 (hg19) VCF-style: chr1-216592003-T-C.
Other names: p.T168T:ACA>ACG; p.Thr168=; c.504A>G, p.Thr168= (NM_007123.6).
Identifiers: ClinVar variation 48528 (VCV000048528.44), dbSNP rs4253963, ClinGen allele CA143509.